The following is an entry in ClinVar:

ClinVar aggregate classification (germline): Uncertain significance. Review status: criteria provided, multiple submitters, no conflicts (2 of 4 stars). 2 submissions from 2 submitters: Uncertain significance (2). Last evaluated 2025-12-30.

Allele frequency attached by ClinVar (database versions not stated): gnomAD exomes 0.00002; ExAC 0.00007; gnomAD 0.00011; TOPMed 0.00012.
gnomAD v4.1: 46 of 1,548,146 alleles (0.003%); highest among the groups gnomAD compares: African/African-American, 0.03%; no homozygotes.

Submissions (2):

GeneDx
Classification: Uncertain significance. Last evaluated: 2025-12-30. Review status: criteria provided, single submitter. Criteria: GeneDx Variant Classification Process June 2021. Collection method: clinical testing. Allele origin: germline.
Comment: Has not been previously published as pathogenic or benign to our knowledge; In silico analysis supports that this missense variant has a deleterious effect on protein structure/function

Blueprint Genetics
Classification: Uncertain significance. Last evaluated: 2024-02-07. Review status: criteria provided, single submitter. Criteria: ACMG Guidelines, 2015. Collection method: clinical testing. Allele origin: germline.

NM_001292063.2(OTOG):c.8021C>T (p.Pro2674Leu)

Gene: OTOG (otogelin; plus strand). Cytogenetic location: 11p15.1.
Variant type: single nucleotide variant.
Coding change: c.8021C>T on transcript NM_001292063.2 (MANE Select); coding-DNA position 8021, C replaced by T.
Protein change: p.Pro2674Leu; replaces proline 2674 with leucine.
Molecular consequence: missense variant.
Genome position (GRCh38, 1-based): chr11:17,640,922, C>T. VCF-style: chr11-17640922-C-T. GRCh37 (hg19) VCF-style: chr11-17662469-C-T.
Other names: c.8057C>T, p.Pro2686Leu (NM_001277269.2); short protein forms P2674L, P2686L.
Identifiers: ClinVar variation 3252793 (VCV003252793.3), dbSNP rs761369572.